The following is an entry in ClinVar:

ClinVar aggregate classification (germline): Uncertain significance (1 of 4 stars; one submission).

Submission:

Labcorp Genetics (formerly Invitae), Labcorp
Classification: Uncertain significance. Last evaluated: 2024-07-31. Review status: criteria provided, single submitter. Criteria: Invitae Variant Classification Sherloc (09022015). Collection method: clinical testing. Allele origin: germline.
Comment: This sequence change replaces leucine, which is neutral and non-polar, with arginine, which is basic and polar, at codon 307 of the COL11A2 protein (p.Leu307Arg). This variant is not present in population databases (gnomAD no frequency). This variant has not been reported in the literature in individuals affected with COL11A2-related conditions. Advanced modeling of protein sequence and biophysical properties (such as structural, functional, and spatial information, amino acid conservation, physicochemical variation, residue mobility, and thermodynamic stability) performed at Invitae indicates that this missense variant is not expected to disrupt COL11A2 protein function with a negative predictive value of 95%. In summary, the available evidence is currently insufficient to determine the role of this variant in disease. Therefore, it has been classified as a Variant of Uncertain Significance.

NM_080680.3(COL11A2):c.920T>G (p.Leu307Arg)

Gene: COL11A2 (collagen type XI alpha 2 chain; minus strand). Cytogenetic location: 6p21.32.
Variant type: single nucleotide variant.
Coding change: c.920T>G on transcript NM_080680.3 (MANE Select); coding-DNA position 920, T replaced by G.
Protein change: p.Leu307Arg; replaces leucine 307 with arginine.
Molecular consequence: missense variant. On other transcripts: intron variant (1).
Genome position (GRCh38, 1-based): chr6:33,185,011, A>C on the plus strand (T>G on the coding strand, the complement: COL11A2 is on the minus strand). VCF-style: chr6-33185011-A-C. GRCh37 (hg19) VCF-style: chr6-33152788-A-C.
Other names: c.920T>G, p.Leu307Arg (NM_001424108.1); c.74T>G, p.Leu25Arg (NM_001424109.1, NM_001424110.1, NM_001424111.1); c.842T>G, p.Leu281Arg (NM_080681.3); c.798+1616T>G (NM_080679.3); short protein forms L307R, L25R, L281R.
Identifiers: ClinVar variation 3635262 (VCV003635262.2).